The following is an entry in ClinVar:

NM_004750.5(CRLF1):c.495C>G (p.Leu165=)

Gene: CRLF1 (cytokine receptor like factor 1; minus strand). Cytogenetic location: 19p13.11.
Variant type: single nucleotide variant.
Coding change: c.495C>G on transcript NM_004750.5 (MANE Select); coding-DNA position 495, C replaced by G.
Protein change: p.Leu165=; no amino-acid change (leucine 165 retained).
Molecular consequence: synonymous variant.
Genome position (GRCh38, 1-based): chr19:18,598,804, G>C on the plus strand (C>G on the coding strand, the complement: CRLF1 is on the minus strand). VCF-style: chr19-18598804-G-C. GRCh37 (hg19) VCF-style: chr19-18709614-G-C.
Identifiers: ClinVar variation 2649588 (VCV002649588.24), dbSNP rs1308520157, ClinGen allele CA506044461.

ClinVar aggregate classification (germline): Likely benign (1 of 4 stars; one submission).

Allele frequency attached by ClinVar (database versions not stated): gnomAD exomes below 0.00001; TOPMed 0.00002.
gnomAD v4.1: 1 of 1,614,134 alleles (0.000062%); highest among the groups gnomAD compares: Middle Eastern, 0.016%; no homozygotes.

Submission:

CeGaT Center for Human Genetics Tuebingen
Classification: Likely benign. Last evaluated: 2022-10-01. Review status: criteria provided, single submitter. Criteria: CeGaT Center For Human Genetics Tuebingen Variant Classification Criteria Version 2. Collection method: clinical testing. Allele origin: germline. Affected: yes. Observed: 1 variant allele.
Comment: CRLF1: PM2:Supporting, BP4, BP7